The following is an entry in ClinVar:

NM_000081.4(LYST):c.3862G>A (p.Val1288Met)

Gene: LYST (lysosomal trafficking regulator; minus strand). Cytogenetic location: 1q42.3.
Variant type: single nucleotide variant.
Coding change: c.3862G>A on transcript NM_000081.4 (MANE Select); coding-DNA position 3862, G replaced by A.
Protein change: p.Val1288Met; replaces valine 1288 with methionine.
Molecular consequence: missense variant.
Genome position (GRCh38, 1-based): chr1:235,800,948, C>T on the plus strand (G>A on the coding strand, the complement: LYST is on the minus strand). VCF-style: chr1-235800948-C-T. GRCh37 (hg19) VCF-style: chr1-235964248-C-T.
Other names: c.3862G>A, p.Val1288Met (NM_001301365.1); short protein forms V1288M.
Identifiers: ClinVar variation 1433046 (VCV001433046.3), dbSNP rs1251754349, ClinGen allele CA344943435.

ClinVar aggregate classification (germline): Uncertain significance (1 of 4 stars; one submission).

Conditions:
Chédiak-Higashi syndrome (CHS). Also called: Chediak-Higashi Syndrome. Identifiers: Orphanet 167, MedGen C0007965, MONDO:0008963, OMIM 214500.

Allele frequency attached by ClinVar (database versions not stated): gnomAD exomes below 0.00001.
gnomAD v4.1: 1 of 1,613,786 alleles (0.000062%); highest among the groups gnomAD compares: Non-Finnish European, 0.000085%; no homozygotes.

Submission:

Labcorp Genetics (formerly Invitae), Labcorp
Classification: Uncertain significance for Chédiak-Higashi syndrome. Last evaluated: 2022-07-17. Review status: criteria provided, single submitter. Criteria: Invitae Variant Classification Sherloc (09022015). Collection method: clinical testing. Allele origin: germline.
Comment: This sequence change replaces valine, which is neutral and non-polar, with methionine, which is neutral and non-polar, at codon 1288 of the LYST protein (p.Val1288Met). The frequency data for this variant in the population databases is considered unreliable, as metrics indicate poor data quality at this position in the gnomAD database. This variant has not been reported in the literature in individuals affected with LYST-related conditions. ClinVar contains an entry for this variant (Variation ID: 1433046). Algorithms developed to predict the effect of missense changes on protein structure and function are either unavailable or do not agree on the potential impact of this missense change (SIFT: "Deleterious"; PolyPhen-2: "Probably Damaging"; Align-GVGD: "Class C0"). In summary, the available evidence is currently insufficient to determine the role of this variant in disease. Therefore, it has been classified as a Variant of Uncertain Significance.